The following is an entry in ClinVar:

NM_175918.3(CRIPAK):c.327G>A (p.Thr109=)

Genes: CRIPAK (cysteine rich PAK1 inhibitor; plus strand), UVSSA (UV stimulated scaffold protein A; plus strand), LOC126806945 (P300/CBP strongly-dependent group 1 enhancer GRCh37_chr4:1388225-1389424; plus strand). Cytogenetic location: 4p16.3.
Variant type: single nucleotide variant.
Coding change: c.327G>A on transcript NM_175918.3; coding-DNA position 327, G replaced by A.
Protein change: p.Thr109=; no amino-acid change (threonine 109 retained).
Molecular consequence: synonymous variant.
Genome position (GRCh38, 1-based): chr4:1,394,838, G>A. VCF-style: chr4-1394838-G-A. GRCh37 (hg19) VCF-style: chr4-1388626-G-A.
Identifiers: ClinVar variation 2654564 (VCV002654564.24), dbSNP rs553323873, ClinGen allele CA2806769.

ClinVar aggregate classification (germline): Likely benign (1 of 4 stars; one submission).

Allele frequency attached by ClinVar (database versions not stated): 1000 Genomes Project 0.00260.
gnomAD v4.1: 97 of 1,098,662 alleles (0.0088%); highest among the groups gnomAD compares: African/African-American, 0.11%; 1 homozygote.

Submission:

CeGaT Center for Human Genetics Tuebingen
Classification: Likely benign. Last evaluated: 2022-03-01. Review status: criteria provided, single submitter. Criteria: CeGaT Center For Human Genetics Tuebingen Variant Classification Criteria Version 2. Collection method: clinical testing. Allele origin: germline. Affected: yes. Observed: 1 variant allele.
Comment: CRIPAK: BP4, BP7